The following is an entry in ClinVar:

ClinVar aggregate classification (germline): Pathogenic (1 of 4 stars; one submission).

Conditions:
Jeune thoracic dystrophy. Also called: Short-rib thoracic dysplasia; Jeune syndrome; Infantile thoracic dystrophy; Thoracic pelvic phalangeal dystrophy; Jeune's syndrome; Chondroectodermal dysplasia-like syndrome. Identifiers: Orphanet 474, MedGen C0265275, MONDO:0018770.

Submission:

Labcorp Genetics (formerly Invitae), Labcorp
Classification: Pathogenic for Jeune thoracic dystrophy. Last evaluated: 2025-12-08. Review status: criteria provided, single submitter. Criteria: Invitae Variant Classification Sherloc (09022015). Collection method: clinical testing. Allele origin: germline.
Comment: This sequence change creates a premature translational stop signal (p.Leu1514Phefs*3) in the DYNC2H1 gene. It is expected to result in an absent or disrupted protein product. Loss-of-function variants in DYNC2H1 are known to be pathogenic (PMID: 23339108, 32753734, 33755199). This variant is not present in population databases (gnomAD no frequency). This variant has not been reported in the literature in individuals affected with DYNC2H1-related conditions. For these reasons, this variant has been classified as Pathogenic.

Literature cited by the submitters: PubMed 23339108; PubMed 32753734; PubMed 33755199.

NM_001377.3(DYNC2H1):c.4541_4542insTC (p.Leu1514fs)

Gene: DYNC2H1 (dynein cytoplasmic 2 heavy chain 1; plus strand). Cytogenetic location: 11q22.3.
Variant type: Insertion.
Coding change: c.4541_4542insTC on transcript NM_001377.3 (MANE Select); coding-DNA positions 4541 to 4542, TC inserted.
Protein change: p.Leu1514fs; shifts the reading frame from leucine 1514.
Molecular consequence: frameshift variant.
Genome position: GRCh38 VCF-style: chr11-103163077-T-TTC. GRCh37 (hg19) VCF-style: chr11-103033806-T-TTC.
Other names: c.4541_4542insTC, p.Leu1514fs (NM_001080463.2); short protein forms L1514fs.
Identifiers: ClinVar variation 4732329 (VCV004732329.1).